The following is an entry in ClinVar:

ClinVar aggregate classification (germline): Pathogenic/Likely pathogenic. Review status: criteria provided, multiple submitters, no conflicts (2 of 4 stars). 2 submissions from 2 submitters: Pathogenic (1); Likely pathogenic (1). Last evaluated 2024-11-17.

Conditions:
Ehlers-Danlos syndrome due to tenascin-X deficiency (EDSCLL1). Also called: EDS DUE TO TNX DEFICIENCY; TNX DEFICIENCY; EHLERS-DANLOS SYNDROME, CLASSIC-LIKE; Ehlers-Danlos syndrome, classic-like, 1; TNXB-Related Classical-Like Ehlers-Danlos Syndrome. Identifiers: Orphanet 230839, MedGen C1848029, MONDO:0011670, OMIM 606408.

gnomAD v4.1: 1 of 1,609,554 alleles (0.000062%); highest among the groups gnomAD compares: Admixed American, 0.0017%; no homozygotes.

Submissions (2):

Myriad Genetics, Inc.
Classification: Pathogenic for Ehlers-Danlos syndrome due to tenascin-X deficiency. Last evaluated: 2024-11-17. Review status: criteria provided, single submitter. Criteria: Myriad Autosomal Dominant, Autosomal Recessive and X-Linked Classification Criteria (2023). Collection method: clinical testing. Allele origin: unknown.
Comment: NM_019105.6(TNXB):c.4645C>T(Q1549*) is expected to be pathogenic in the context of classical-like Ehlers-Danlos syndrome, TNXB-related. This variant is predicted to lead to an abnormal or absent protein product due to the creation of a premature termination codon in TNXB, a gene where loss-of-function variants are known to be pathogenic. Please note: this variant was assessed in the context of healthy population screening.

Laboratorio de Genetica e Diagnostico Molecular, Hospital Israelita Albert Einstein
Classification: Likely pathogenic. Last evaluated: 2021-11-04. Review status: criteria provided, single submitter. Criteria: ACMG Guidelines, 2015. Collection method: clinical testing. Allele origin: germline. Affected: yes.
Comment: ACMG classification criteria: PVS1, PM2

NM_001365276.2(TNXB):c.4645C>T (p.Gln1549Ter)

Gene: TNXB (tenascin XB; minus strand). Cytogenetic location: 6p21.33.
Variant type: single nucleotide variant.
Coding change: c.4645C>T on transcript NM_001365276.2 (MANE Select); coding-DNA position 4645, C replaced by T.
Protein change: p.Gln1549Ter; replaces glutamine 1549 with a stop codon.
Molecular consequence: nonsense.
Genome position (GRCh38, 1-based): chr6:32,073,683, G>A on the plus strand (C>T on the coding strand, the complement: TNXB is on the minus strand). VCF-style: chr6-32073683-G-A. GRCh37 (hg19) VCF-style: chr6-32041460-G-A.
Other names: c.4645C>T, p.Gln1549Ter (NM_019105.8); short protein forms Q1549*.
Identifiers: ClinVar variation 1690480 (VCV001690480.3), dbSNP rs2151921014, ClinGen allele CA363423254.